The following is an entry in ClinVar:

ClinVar aggregate classification (germline): Uncertain significance (1 of 4 stars; one submission).

Allele frequency attached by ClinVar (database versions not stated): gnomAD exomes below 0.00001; TOPMed below 0.00001; ExAC 0.00001.

Submission:

Labcorp Genetics (formerly Invitae), Labcorp
Classification: Uncertain significance. Last evaluated: 2021-05-19. Review status: criteria provided, single submitter. Criteria: Invitae Variant Classification Sherloc (09022015). Collection method: clinical testing. Allele origin: germline.
Comment: This sequence change replaces valine with alanine at codon 2568 of the ADGRV1 protein (p.Val2568Ala). The valine residue is highly conserved and there is a small physicochemical difference between valine and alanine. In summary, the available evidence is currently insufficient to determine the role of this variant in disease. Therefore, it has been classified as a Variant of Uncertain Significance. Algorithms developed to predict the effect of missense changes on protein structure and function are either unavailable or do not agree on the potential impact of this missense change (SIFT: "Deleterious"; PolyPhen-2: "Possibly Damaging"; Align-GVGD: "Class C0"). This variant has not been reported in the literature in individuals with ADGRV1-related conditions. This variant is present in population databases (rs775944394, ExAC 0.001%).

NM_032119.4(ADGRV1):c.7703T>C (p.Val2568Ala)

Gene: ADGRV1 (adhesion G protein-coupled receptor V1; plus strand). Cytogenetic location: 5q14.3.
Variant type: single nucleotide variant.
Coding change: c.7703T>C on transcript NM_032119.4 (MANE Select); coding-DNA position 7703, T replaced by C.
Protein change: p.Val2568Ala; replaces valine 2568 with alanine.
Molecular consequence: missense variant. On other transcripts: non-coding transcript variant (1).
Genome position (GRCh38, 1-based): chr5:90,694,459, T>C. VCF-style: chr5-90694459-T-C. GRCh37 (hg19) VCF-style: chr5-89990276-T-C.
Other names: short protein forms V2568A.
Identifiers: ClinVar variation 1474924 (VCV001474924.8), dbSNP rs775944394, ClinGen allele CA3340073.